The following is an entry in ClinVar:

ClinVar aggregate classification (germline): Likely benign. Review status: criteria provided, multiple submitters, no conflicts (2 of 4 stars). 2 submissions from 2 submitters: Likely benign (2). Last evaluated 2025-12-26.

Conditions:
Mendelian susceptibility to mycobacterial diseases due to complete IL12RB1 deficiency. Also called: Immunodeficiency 30; IL12RB1 DEFICIENCY. Identifiers: Orphanet 319552, MedGen C4013949, MONDO:0013955, OMIM 614891.

Allele frequency attached by ClinVar (database versions not stated): TOPMed 0.00029; 1000 Genomes Project 30x 0.00078; 1000 Genomes Project 0.00100.

Submissions (2):

Labcorp Genetics (formerly Invitae), Labcorp
Classification: Likely benign for Mendelian susceptibility to mycobacterial diseases due to complete IL12RB1 deficiency. Last evaluated: 2025-12-26. Review status: criteria provided, single submitter. Criteria: Invitae Variant Classification Sherloc (09022015). Collection method: clinical testing. Allele origin: germline.

Illumina Laboratory Services, Illumina
Classification: Likely benign for Mendelian susceptibility to mycobacterial diseases due to complete IL12RB1 deficiency. Last evaluated: 2018-01-12. Review status: criteria provided, single submitter. Criteria: ICSL Variant Classification Criteria 13 December 2019. Collection method: clinical testing. Allele origin: germline.
Comment: This variant was observed in the ICSL laboratory as part of a predisposition screen in an ostensibly healthy population. It had not been previously curated by ICSL or reported in the Human Gene Mutation Database (HGMD: prior to June 1st, 2018), and was therefore a candidate for classification through an automated scoring system. Utilizing variant allele frequency, disease prevalence and penetrance estimates, and inheritance mode, an automated score was calculated to assess if this variant is too frequent to cause the disease. Based on the score and internal cut-off values, a variant classified as likely benign is not then subjected to further curation. The score for this variant resulted in a classification of likely benign for this disease.

NM_005535.3(IL12RB1):c.1461T>A (p.Asp487Glu)

Gene: IL12RB1 (interleukin 12 receptor subunit beta 1; minus strand). Cytogenetic location: 19p13.11.
Variant type: single nucleotide variant.
Coding change: c.1461T>A on transcript NM_005535.3 (MANE Select); coding-DNA position 1461, T replaced by A.
Protein change: p.Asp487Glu; replaces aspartic acid 487 with glutamic acid.
Molecular consequence: missense variant.
Genome position (GRCh38, 1-based): chr19:18,066,564, A>T on the plus strand (T>A on the coding strand, the complement: IL12RB1 is on the minus strand). VCF-style: chr19-18066564-A-T. GRCh37 (hg19) VCF-style: chr19-18177374-A-T.
Other names: c.1461T>A, p.Asp487Glu (NM_001290023.2); c.1581T>A, p.Asp527Glu (NM_001290024.2); short protein forms D527E, D487E.
Identifiers: ClinVar variation 891554 (VCV000891554.12), dbSNP rs542734526, ClinGen allele CA9304827.
Genomic context (GRCh38, chr19:18,066,564, plus strand): 5'-CCTTCCTCCCCAAGCCAGGTCTGCACTGCCTCACGTACCTGACACCTGTTTGCTGTCTTC[A>T]TCTCGGCAGCGGACAACATACTCCTTTAGGACGCCGGGACAGGTGCTCAGCAGGGATGGT-3'
Protein context (NP_005526.1, residues 477-497): VLKEYVVRCR[Asp487Glu]EDSKQVSEHP